The following is an entry in ClinVar:

NM_000038.6(APC):c.5525C>T (p.Ser1842Leu)

Gene: APC (APC regulator of Wnt signaling pathway; plus strand). Cytogenetic location: 5q22.2.
Variant type: single nucleotide variant.
Coding change: c.5525C>T on transcript NM_000038.6 (MANE Select); coding-DNA position 5525, C replaced by T.
Protein change: p.Ser1842Leu; replaces serine 1842 with leucine.
Molecular consequence: missense variant. On other transcripts: non-coding transcript variant (2).
Genome position (GRCh38, 1-based): chr5:112,841,119, C>T. VCF-style: chr5-112841119-C-T. GRCh37 (hg19) VCF-style: chr5-112176816-C-T.
Other names: c.5525C>T, p.Ser1842Leu (NM_001127510.3, NM_001354895.2, NM_001407450.1); c.5471C>T, p.Ser1824Leu (NM_001127511.3); c.5579C>T, p.Ser1860Leu (NM_001354896.2, NM_001407447.1, NM_001407448.1 and 1 more transcripts); c.5555C>T, p.Ser1852Leu (NM_001354897.2); c.5450C>T, p.Ser1817Leu (NM_001354898.2); c.5441C>T, p.Ser1814Leu (NM_001354899.2); c.5402C>T, p.Ser1801Leu (NM_001354900.2); c.5348C>T, p.Ser1783Leu (NM_001354901.2, NM_001407453.1); and 11 more; short protein forms S1458L, S1716L, S1783L, S1852L, S1860L, S1682L, S1713L, S1741L.
Identifiers: ClinVar variation 5025187 (VCV005025187.1).
Genomic context (GRCh38, chr5:112,841,119, plus strand): 5'-TCTTCAATGATAAGCTCCCAAATAATGAAGATAGAGTCAGAGGAAGTTTTGCTTTTGATT[C>T]ACCTCATCATTACACGCCTATTGAAGGAACTCCTTACTGTTTTTCACGAAATGATTCTTT-3'
Protein context (NP_000029.2, residues 1832-1852): DRVRGSFAFD[Ser1842Leu]PHHYTPIEGT

ClinVar aggregate classification (germline): Uncertain significance (1 of 4 stars; one submission).

Conditions:
Hereditary cancer-predisposing syndrome. Also called: Neoplastic Syndromes, Hereditary; Tumor predisposition; Hereditary neoplastic syndrome; Hereditary Cancer Syndrome. Identifiers: Orphanet 140162, MedGen C0027672, MeSH D009386, MONDO:0015356.

Submission:

Ambry Genetics
Classification: Uncertain significance for Hereditary cancer-predisposing syndrome. Last evaluated: 2026-07-07. Review status: criteria provided, single submitter. Criteria: Ambry Variant Classification Scheme 2023. Collection method: clinical testing. Allele origin: germline.
Comment: The p.S1842L variant (also known as c.5525C>T), located in coding exon 15 of the APC gene, results from a C to T substitution at nucleotide position 5525. The serine at codon 1842 is replaced by leucine, an amino acid with dissimilar properties. This amino acid position is conserved. In addition, in silico predictors for this gene do not accurately predict pathogenicity. Based on the available evidence, the clinical significance of this variant remains unclear.